The following is an entry in ClinVar:

NM_030662.4(MAP2K2):c.178C>T (p.Gln60Ter)

Gene: MAP2K2 (mitogen-activated protein kinase kinase 2; minus strand). Cytogenetic location: 19p13.3.
Variant type: single nucleotide variant.
Coding change: c.178C>T on transcript NM_030662.4 (MANE Select); coding-DNA position 178, C replaced by T.
Protein change: p.Gln60Ter; replaces glutamine 60 with a stop codon.
Molecular consequence: nonsense.
Genome position (GRCh38, 1-based): chr19:4,117,544, G>A on the plus strand (C>T on the coding strand, the complement: MAP2K2 is on the minus strand). VCF-style: chr19-4117544-G-A. GRCh37 (hg19) VCF-style: chr19-4117542-G-A.
Other names: short protein forms Q60*.
Identifiers: ClinVar variation 1927322 (VCV001927322.5), dbSNP rs2145080460, ClinGen allele CA403392707.

ClinVar aggregate classification (germline): Uncertain significance (1 of 4 stars; one submission).

Conditions:
RASopathy. Also called: rasopathies; Noonan spectrum disorder. Identifiers: Orphanet 536391, MedGen C5555857, MONDO:0021060.

Submission:

Labcorp Genetics (formerly Invitae), Labcorp
Classification: Uncertain significance for RASopathy. Last evaluated: 2022-08-29. Review status: criteria provided, single submitter. Criteria: Invitae Variant Classification Sherloc (09022015). Collection method: clinical testing. Allele origin: germline.
Comment: This sequence change creates a premature translational stop signal (p.Gln60*) in the MAP2K2 gene. It is expected to result in an absent or disrupted protein product. However, the current clinical and genetic evidence is not sufficient to establish whether loss-of-function variants in MAP2K2 cause disease. In summary, the available evidence is currently insufficient to determine the role of this variant in disease. Therefore, it has been classified as a Variant of Uncertain Significance. This variant has not been reported in the literature in individuals affected with MAP2K2-related conditions. This variant is not present in population databases (gnomAD no frequency).